The following is an entry in ClinVar:

ClinVar aggregate classification (germline): Uncertain significance. Review status: criteria provided, multiple submitters, no conflicts (2 of 4 stars). 4 submissions from 4 submitters: Uncertain significance (4). Last evaluated 2025-09-21.

Conditions:
Autosomal recessive limb-girdle muscular dystrophy type 2Q (LGMDR17). Also called: MUSCULAR DYSTROPHY, LIMB-GIRDLE, AUTOSOMAL RECESSIVE 17. Identifiers: Orphanet 254361, MedGen C3150989, MONDO:0013390, OMIM 613723.
Epidermolysis bullosa simplex, Ogna type (EBS5A). Also called: Pidermolysis bullosa simplex 5A, Ogna type; EPIDERMOLYSIS BULLOSA SIMPLEX 5A, OGNA TYPE. Identifiers: Orphanet 79401, MedGen C0432317, MONDO:0007555, OMIM 131950.
Epidermolysis bullosa simplex 5B, with muscular dystrophy (EBS5B). Also called: Epidermolysis bullosa simplex with muscular dystrophy; EPIDERMOLYSIS BULLOSA SIMPLEX AND LIMB-GIRDLE MUSCULAR DYSTROPHY. Identifiers: Orphanet 257, MedGen C2931072, MONDO:0009181, OMIM 226670.
Epidermolysis bullosa simplex with nail dystrophy (EBS5D). Identifiers: MedGen C4225309, MONDO:0014661, OMIM 616487.
Epidermolysis bullosa simplex 5C, with pyloric atresia (EBS5C). Also called: PLEC1-Related Epidermolysis Bullosa with Pyloric Atresia; PLEC-Related Epidermolysis Bullosa with Pyloric Atresia; Epidermolysis bullosa simplex with pyloric atresia. Identifiers: Orphanet 158684, MedGen C2677349, MONDO:0012807, OMIM 612138.
PLEC-related disorder. Also called: PLEC-related disorders; PLEC-related condition.
Inborn genetic diseases. Identifiers: MedGen C0950123, MeSH D030342.

Allele frequency attached by ClinVar (database versions not stated): gnomAD exomes 0.00001; gnomAD 0.00002 and 0.00003; TOPMed 0.00002; ExAC 0.00005.
gnomAD v4.1: 47 of 1,572,056 alleles (0.003%); highest among the groups gnomAD compares: African/African-American, 0.004%; no homozygotes.

Submissions (4):

Labcorp Genetics (formerly Invitae), Labcorp
Classification: Uncertain significance for Autosomal recessive limb-girdle muscular dystrophy type 2Q; Epidermolysis bullosa simplex, Ogna type; Epidermolysis bullosa simplex with nail dystrophy; Epidermolysis bullosa simplex 5C, with pyloric atresia; Epidermolysis bullosa simplex 5B, with muscular dystrophy. Last evaluated: 2025-09-21. Review status: criteria provided, single submitter. Criteria: Invitae Variant Classification Sherloc (09022015). Collection method: clinical testing. Allele origin: germline.
Comment: This sequence change replaces glutamic acid, which is acidic and polar, with lysine, which is basic and polar, at codon 1404 of the PLEC protein (p.Glu1404Lys). This variant is present in population databases (rs782189077, gnomAD 0.003%). This variant has not been reported in the literature in individuals affected with PLEC-related conditions. ClinVar contains an entry for this variant (Variation ID: 951040). Invitae Evidence Modeling of protein sequence and biophysical properties (such as structural, functional, and spatial information, amino acid conservation, physicochemical variation, residue mobility, and thermodynamic stability) has been performed for this missense variant. However, the output from this modeling did not meet the statistical confidence thresholds required to predict the impact of this variant on PLEC protein function. In summary, the available evidence is currently insufficient to determine the role of this variant in disease. Therefore, it has been classified as a Variant of Uncertain Significance.

PreventionGenetics, part of Exact Sciences
Classification: Uncertain significance for PLEC-related condition. Last evaluated: 2024-11-02. Review status: criteria provided, single submitter. Criteria: ACMG Guidelines, 2015. Collection method: clinical testing. Allele origin: germline.
Comment: The PLEC c.4210G>A variant is predicted to result in the amino acid substitution p.Glu1404Lys. To our knowledge, this variant has not been reported in the literature. This variant is reported in 0.0026% of alleles in individuals of European (non-Finnish) descent in gnomAD. At this time, the clinical significance of this variant is uncertain due to the absence of conclusive functional and genetic evidence.

Ambry Genetics
Classification: Uncertain significance for Inborn genetic diseases. Last evaluated: 2021-10-26. Review status: criteria provided, single submitter. Criteria: Ambry Variant Classification Scheme 2023. Collection method: clinical testing. Allele origin: germline.

Revvity Omics, Revvity
Classification: Uncertain significance. Last evaluated: 2021-02-18. Review status: criteria provided, single submitter. Criteria: ACMG Guidelines, 2015. Collection method: clinical testing. Allele origin: germline.

NM_201384.3(PLEC):c.4129G>A (p.Glu1377Lys)

Gene: PLEC (plectin; minus strand). Cytogenetic location: 8q24.3.
Variant type: single nucleotide variant.
Coding change: c.4129G>A on transcript NM_201384.3 (MANE Select); coding-DNA position 4129, G replaced by A.
Protein change: p.Glu1377Lys; replaces glutamic acid 1377 with lysine.
Molecular consequence: missense variant.
Genome position (GRCh38, 1-based): chr8:143,925,800, C>T on the plus strand (G>A on the coding strand, the complement: PLEC is on the minus strand). VCF-style: chr8-143925800-C-T. GRCh37 (hg19) VCF-style: chr8-144999968-C-T.
Other names: c.4210G>A, p.Glu1404Lys (NM_000445.5); c.4087G>A, p.Glu1363Lys (NM_201378.4); c.4063G>A, p.Glu1355Lys (NM_201379.3); c.4540G>A, p.Glu1514Lys (NM_201380.4); c.4033G>A, p.Glu1345Lys (NM_201381.3); c.4129G>A, p.Glu1377Lys (NM_201382.4); c.4141G>A, p.Glu1381Lys (NM_201383.3); c.4210G>A (NM_000445.3); short protein forms E1345K, E1355K, E1363K, E1381K, E1377K, E1404K, E1514K.
Identifiers: ClinVar variation 951040 (VCV000951040.8), dbSNP rs782189077, ClinGen allele CA4926760.